The following is an entry in ClinVar:

ClinVar aggregate classification (germline): Benign (0 of 4 stars; one submission).

Conditions:
CUL9-related disorder. Also called: CUL9-related condition.

Allele frequency attached by ClinVar (database versions not stated): 1000 Genomes Project 30x 0.00937; 1000 Genomes Project 0.00958; TOPMed 0.01706; gnomAD 0.02079; ExAC 0.02198; ESP Exome Variant Server 0.02214.
gnomAD v4.1: 41,643 of 1,613,584 alleles (2.6%); highest among the groups gnomAD compares: Non-Finnish European, 3.1%; 786 homozygotes.

Submission:

PreventionGenetics, part of Exact Sciences
Classification: Benign for CUL9-related condition. Last evaluated: 2019-08-05. Review status: no assertion criteria provided. Collection method: clinical testing. Allele origin: germline.
Comment: This variant is classified as benign based on ACMG/AMP sequence variant interpretation guidelines (Richards et al. 2015 PMID: 25741868, with internal and published modifications).

NM_015089.4(CUL9):c.6539C>T (p.Thr2180Ile)

Gene: CUL9 (cullin 9; plus strand). Cytogenetic location: 6p21.1.
Variant type: single nucleotide variant.
Coding change: c.6539C>T on transcript NM_015089.4 (MANE Select); coding-DNA position 6539, C replaced by T.
Protein change: p.Thr2180Ile; replaces threonine 2180 with isoleucine.
Molecular consequence: missense variant.
Genome position (GRCh38, 1-based): chr6:43,220,862, C>T. VCF-style: chr6-43220862-C-T. GRCh37 (hg19) VCF-style: chr6-43188600-C-T.
Other names: short protein forms T2180I.
Identifiers: ClinVar variation 3059405 (VCV003059405.2), dbSNP rs11962520, ClinGen allele CA3818695.